The following is an entry in ClinVar:

NM_015378.4(VPS13D):c.11408A>T (p.Tyr3803Phe)

Gene: VPS13D (vacuolar protein sorting 13 homolog D; plus strand). Cytogenetic location: 1p36.22.
Variant type: single nucleotide variant.
Coding change: c.11408A>T on transcript NM_015378.4 (MANE Select); coding-DNA position 11408, A replaced by T.
Protein change: p.Tyr3803Phe; replaces tyrosine 3803 with phenylalanine.
Molecular consequence: missense variant.
Genome position (GRCh38, 1-based): chr1:12,385,297, A>T. VCF-style: chr1-12385297-A-T. GRCh37 (hg19) VCF-style: chr1-12445356-A-T.
Other names: c.11333A>T, p.Tyr3778Phe (NM_018156.4); short protein forms Y3778F, Y3803F.
Identifiers: ClinVar variation 1974213 (VCV001974213.5), dbSNP rs1405653609, ClinGen allele CA338501552.

ClinVar aggregate classification (germline): Uncertain significance (1 of 4 stars; one submission).

gnomAD v4.1: 7 of 1,614,020 alleles (0.00043%); highest among the groups gnomAD compares: Non-Finnish European, 0.00051%; no homozygotes.

Submission:

Labcorp Genetics (formerly Invitae), Labcorp
Classification: Uncertain significance. Last evaluated: 2022-11-28. Review status: criteria provided, single submitter. Criteria: Invitae Variant Classification Sherloc (09022015). Collection method: clinical testing. Allele origin: germline.
Comment: This sequence change replaces tyrosine, which is neutral and polar, with phenylalanine, which is neutral and non-polar, at codon 3803 of the VPS13D protein (p.Tyr3803Phe). This variant is present in population databases (no rsID available, gnomAD 0.0009%). This variant has not been reported in the literature in individuals affected with VPS13D-related conditions. Advanced modeling of protein sequence and biophysical properties (such as structural, functional, and spatial information, amino acid conservation, physicochemical variation, residue mobility, and thermodynamic stability) performed at Invitae indicates that this missense variant is not expected to disrupt VPS13D protein function. In summary, the available evidence is currently insufficient to determine the role of this variant in disease. Therefore, it has been classified as a Variant of Uncertain Significance.